The following is an entry in ClinVar:

ClinVar aggregate classification (germline): Benign/Likely benign. Review status: criteria provided, multiple submitters, no conflicts (2 of 4 stars). 4 submissions from 4 submitters: Benign (1); Likely benign (2). 1 of the submissions does not count toward it. Last evaluated 2024-10-30.

Conditions:
Hereditary cancer-predisposing syndrome. Also called: Hereditary neoplastic syndrome; Neoplastic Syndromes, Hereditary; Tumor predisposition; Hereditary Cancer Syndrome. Identifiers: Orphanet 140162, MedGen C0027672, MeSH D009386, MONDO:0015356.
HOXB13-related disorder. Also called: HOXB13-related condition; HOXB13-related disorders.
Prostate cancer, hereditary, 9 (HPC9). Identifiers: Orphanet 1331, MedGen C1970250, MONDO:0012597, OMIM 610997.

Submissions (4):

Myriad Genetics, Inc.
Classification: Benign for Prostate cancer, hereditary, 9. Last evaluated: 2024-10-30. Review status: criteria provided, single submitter. Criteria: Myriad Autosomal Dominant, Autosomal Recessive and X-Linked Classification Criteria (2023). Collection method: clinical testing. Allele origin: unknown.
Comment: This variant is considered benign. This variant is a silent/synonymous amino acid change and it is not expected to impact splicing.

Labcorp Genetics (formerly Invitae), Labcorp
Classification: Likely benign. Last evaluated: 2023-03-04. Review status: criteria provided, single submitter. Criteria: Invitae Variant Classification Sherloc (09022015). Collection method: clinical testing. Allele origin: germline.

Ambry Genetics
Classification: Likely benign for Hereditary cancer-predisposing syndrome. Last evaluated: 2022-09-12. Review status: criteria provided, single submitter. Criteria: Ambry Variant Classification Scheme 2023. Collection method: clinical testing. Allele origin: germline.

PreventionGenetics, part of Exact Sciences
Classification: Likely benign for HOXB13-related condition. Last evaluated: 2020-11-03. Review status: no assertion criteria provided. Collection method: clinical testing. Allele origin: germline. Not counted in ClinVar's aggregate classification.
Comment: This variant is classified as likely benign based on ACMG/AMP sequence variant interpretation guidelines (Richards et al. 2015 PMID: 25741868, with internal and published modifications).

NM_006361.6(HOXB13):c.682T>C (p.Leu228=)

Gene: HOXB13 (homeobox B13; minus strand). Cytogenetic location: 17q21.32.
Variant type: single nucleotide variant.
Coding change: c.682T>C on transcript NM_006361.6 (MANE Select); coding-DNA position 682, T replaced by C.
Protein change: p.Leu228=; no amino-acid change (leucine 228 retained).
Molecular consequence: synonymous variant.
Genome position (GRCh38, 1-based): chr17:48,726,963, A>G on the plus strand (T>C on the coding strand, the complement: HOXB13 is on the minus strand). VCF-style: chr17-48726963-A-G. GRCh37 (hg19) VCF-style: chr17-46804325-A-G.
Identifiers: ClinVar variation 1667961 (VCV001667961.13), dbSNP rs1555558471, ClinGen allele CA500500993.